The following is an entry in ClinVar:

ClinVar aggregate classification (germline): Likely pathogenic. Review status: criteria provided, single submitter (1 of 4 stars). 2 submissions from 2 submitters: Likely pathogenic (1). 1 of the submissions does not count toward it. Last evaluated 2020-05-21.

Conditions:
Classic homocystinuria. Also called: Homocystinuria due to CBS deficiency; Cystathionine beta-synthase deficiency; CBS deficiency; Homocystinuria due to Cystathionine Beta-Synthase Deficiency; HOMOCYSTINURIA WITH OR WITHOUT RESPONSE TO PYRIDOXINE. Identifiers: Orphanet 394, MedGen C0751202, MONDO:0009352, OMIM 236200.
HYPERHOMOCYSTEINEMIA, THROMBOTIC, CBS-RELATED. Identifiers: MedGen C3150344, OMIM 236200.

Submissions (2):

Labcorp Genetics (formerly Invitae), Labcorp
Classification: Likely pathogenic for HYPERHOMOCYSTEINEMIA, THROMBOTIC, CBS-RELATED. Last evaluated: 2020-05-21. Review status: criteria provided, single submitter. Criteria: Invitae Variant Classification Sherloc (09022015). Collection method: clinical testing. Allele origin: germline.
Comment: This sequence change affects a donor splice site in intron 4 of the CBS gene. It is expected to disrupt RNA splicing and likely results in an absent or disrupted protein product. This variant is not present in population databases (ExAC no frequency). In summary, the currently available evidence indicates that the variant is pathogenic, but additional data are needed to prove that conclusively. Therefore, this variant has been classified as Likely Pathogenic. Donor and acceptor splice site variants typically lead to a loss of protein function (PMID: 16199547), and loss-of-function variants in CBS are known to be pathogenic (PMID: 10338090, 12124992). Algorithms developed to predict the effect of sequence changes on RNA splicing suggest that this variant may disrupt the consensus splice site, but this prediction has not been confirmed by published transcriptional studies. This variant has not been reported in the literature in individuals with CBS-related conditions. ClinVar contains an entry for this variant (Variation ID: 370129).

Counsyl
Classification: Likely pathogenic for Classic homocystinuria. Last evaluated: 2015-11-23. Review status: no assertion criteria provided. Collection method: clinical testing. Allele origin: unknown. Not counted in ClinVar's aggregate classification.

Literature cited by the submitters: PubMed 16199547 (cited by Labcorp Genetics (formerly Invitae), Labcorp); PubMed 10338090 (cited by Labcorp Genetics (formerly Invitae), Labcorp); PubMed 12124992 (cited by Labcorp Genetics (formerly Invitae), Labcorp).

NM_000071.3(CBS):c.316+1G>A

Gene: CBS (cystathionine beta-synthase; minus strand). Cytogenetic location: 21q22.3.
Variant type: single nucleotide variant.
Coding change: c.316+1G>A on transcript NM_000071.3 (MANE Select); the canonical splice donor site of the intron after coding-DNA position 316, G replaced by A.
Molecular consequence: splice donor variant.
Genome position (GRCh38, 1-based): chr21:43,068,508, C>T on the plus strand (G>A on the coding strand, the complement: CBS is on the minus strand). VCF-style: chr21-43068508-C-T. GRCh37 (hg19) VCF-style: chr21-44488618-C-T.
Other names: c.316+1G>A (NM_001320298.2, NM_001178009.3, NM_001178008.3).
Identifiers: ClinVar variation 370129 (VCV000370129.10), dbSNP rs1057516256, ClinGen allele CA16042007.
Genomic context (GRCh38, chr21:43,068,508, plus strand): 5'-CCCAGGCCCACGGAGCCCAGTGTAGATGGAGGAAGCCCCTCTCCAAAGCCAGGGCACTCA[C>T]AGAGCTCACACTTCAGGCCGAACTTCTTCCCAATCTTGTTGATTCTGACCATAGGGGTGT-3'